The following is an entry in ClinVar:

ClinVar aggregate classification (germline): Pathogenic (1 of 4 stars; one submission).

Conditions:
Hereditary cancer-predisposing syndrome. Also called: Hereditary Cancer Syndrome; Neoplastic Syndromes, Hereditary; Hereditary neoplastic syndrome; Tumor predisposition. Identifiers: Orphanet 140162, MedGen C0027672, MeSH D009386, MONDO:0015356.

Submission:

Ambry Genetics
Classification: Pathogenic for Hereditary cancer-predisposing syndrome. Last evaluated: 2016-12-12. Review status: criteria provided, single submitter. Criteria: Ambry Variant Classification Scheme 2023. Collection method: clinical testing. Allele origin: germline.
Comment: The c.106delG pathogenic mutation, located in coding exon 1 of the RB1 gene, results from a deletion of one nucleotide at nucleotide position 106, causing a translational frameshift with a predicted alternate stop codon (p.D36Tfs*29). This alteration is expected to result in loss of function by premature protein truncation or nonsense-mediated mRNA decay. As such, this alteration is interpreted as a disease-causing mutation.

NM_000321.3(RB1):c.106del (p.Asp36fs)

Gene: RB1 (RB transcriptional corepressor 1; plus strand). Cytogenetic location: 13q14.2.
Variant type: Deletion.
Coding change: c.106del on transcript NM_000321.3 (MANE Select); coding-DNA position 106, one base deleted (G; older notation c.106delG).
Protein change: p.Asp36fs; shifts the reading frame from aspartic acid 36.
Molecular consequence: frameshift variant.
Genome position (GRCh38, 1-based): chr13:48,304,018, G deleted; the last of 2 consecutive G bases (chr13:48,304,017-48,304,018); deleting either gives the same sequence. VCF-style (leftmost placement, unchanged base first): chr13-48304016-AG-A. GRCh37 (hg19) VCF-style: chr13-48878152-AG-A.
Other names: c.106delG (NM_000321.2); short protein forms D36fs.
Identifiers: ClinVar variation 428741 (VCV000428741.5), dbSNP rs1131690913, ClinGen allele CA645369602.